The following is an entry in ClinVar:

ClinVar aggregate classification (germline): Likely benign (1 of 4 stars; one submission).

Allele frequency attached by ClinVar (database versions not stated): TOPMed 0.00001; ExAC 0.00002; gnomAD exomes 0.00003; gnomAD 0.00004; 1000 Genomes Project 30x 0.00031; 1000 Genomes Project 0.00040.
gnomAD v4.1: 48 of 1,614,202 alleles (0.003%); highest among the groups gnomAD compares: Middle Eastern, 0.066%; no homozygotes.

Submission:

CeGaT Center for Human Genetics Tuebingen
Classification: Likely benign. Last evaluated: 2022-06-01. Review status: criteria provided, single submitter. Criteria: CeGaT Center For Human Genetics Tuebingen Variant Classification Criteria Version 2. Collection method: clinical testing. Allele origin: germline. Affected: yes. Observed: 1 variant allele.
Comment: LMAN2L: BP4, BP7

NM_030805.4(LMAN2L):c.651C>T (p.Tyr217=)

Gene: LMAN2L (lectin, mannose binding 2 like; minus strand). Cytogenetic location: 2q11.2.
Variant type: single nucleotide variant.
Coding change: c.651C>T on transcript NM_030805.4 (MANE Select); coding-DNA position 651, C replaced by T.
Protein change: p.Tyr217=; no amino-acid change (tyrosine 217 retained).
Molecular consequence: synonymous variant.
Genome position (GRCh38, 1-based): chr2:96,711,882, G>A on the plus strand (C>T on the coding strand, the complement: LMAN2L is on the minus strand). VCF-style: chr2-96711882-G-A. GRCh37 (hg19) VCF-style: chr2-97377619-G-A.
Other names: c.684C>T, p.Tyr228= (NM_001142292.2); c.249C>T, p.Tyr83= (NM_001322346.2, NM_001322354.2); c.270C>T, p.Tyr90= (NM_001322347.2, NM_001322352.2); c.237C>T, p.Tyr79= (NM_001322350.2); c.216C>T, p.Tyr72= (NM_001322351.2, NM_001322355.2, NM_001322356.2).
Identifiers: ClinVar variation 2651147 (VCV002651147.24), dbSNP rs143337559, ClinGen allele CA1782922.